The following is an entry in ClinVar:

ClinVar aggregate classification (germline): Uncertain significance (1 of 4 stars; one submission).

Submission:

CeGaT Center for Human Genetics Tuebingen
Classification: Uncertain significance. Last evaluated: 2025-01-01. Review status: criteria provided, single submitter. Criteria: CeGaT Center For Human Genetics Tuebingen Variant Classification Criteria Version 2. Collection method: clinical testing. Allele origin: germline. Affected: yes. Observed: 1 variant allele.
Comment: NLRC4: PM2

NM_001199138.2(NLRC4):c.122T>C (p.Ile41Thr)

Gene: NLRC4 (NLR family CARD domain containing 4; minus strand). Cytogenetic location: 2p22.3.
Variant type: single nucleotide variant.
Coding change: c.122T>C on transcript NM_001199138.2 (MANE Select); coding-DNA position 122, T replaced by C.
Protein change: p.Ile41Thr; replaces isoleucine 41 with threonine.
Molecular consequence: missense variant.
Genome position (GRCh38, 1-based): chr2:32,252,559, A>G on the plus strand (T>C on the coding strand, the complement: NLRC4 is on the minus strand). VCF-style: chr2-32252559-A-G. GRCh37 (hg19) VCF-style: chr2-32477628-A-G.
Other names: c.122T>C, p.Ile41Thr (NM_001199139.2, NM_001302504.2, NM_021209.5); short protein forms I41T.
Identifiers: ClinVar variation 3771408 (VCV003771408.13).
Genomic context (GRCh38, chr2:32,252,559, plus strand): 5'-TTTTTCAAAATCATGTGAATGATCCCTCTAGCAGCATCCTGCTCCACCTTCTCGCAGCAA[A>G]TGATGTTTACTTCTTCGCGATTCAGAACATTCCATACAAATAGGTCATCTGTGATTTGCT-3'
Protein context (NP_001186067.1, residues 31-51): NVLNREEVNI[Ile41Thr]CCEKVEQDAA